The following is an entry in ClinVar:

ClinVar aggregate classification (germline): Uncertain significance. Review status: criteria provided, multiple submitters, no conflicts (2 of 4 stars). 2 submissions from 2 submitters: Uncertain significance (2). Last evaluated 2026-02-16.

Conditions:
EGFR-related lung cancer (EGFR). Identifiers: MedGen CN130014.
Hereditary cancer-predisposing syndrome. Also called: Neoplastic Syndromes, Hereditary; Hereditary neoplastic syndrome; Tumor predisposition; Hereditary Cancer Syndrome. Identifiers: Orphanet 140162, MedGen C0027672, MeSH D009386, MONDO:0015356.

Submissions (2):

Ambry Genetics
Classification: Uncertain significance for Hereditary cancer-predisposing syndrome. Last evaluated: 2026-02-16. Review status: criteria provided, single submitter. Criteria: Ambry Variant Classification Scheme 2023. Collection method: clinical testing. Allele origin: germline.
Comment: The p.F404L variant (also known as c.1212T>G), located in coding exon 11 of the EGFR gene, results from a T to G substitution at nucleotide position 1212. The phenylalanine at codon 404 is replaced by leucine, an amino acid with highly similar properties. This amino acid position is conserved. In addition, the in silico prediction for this alteration is inconclusive. Based on the available evidence, the clinical significance of this variant remains unclear.

Labcorp Genetics (formerly Invitae), Labcorp
Classification: Uncertain significance for EGFR-related lung cancer. Last evaluated: 2025-04-27. Review status: criteria provided, single submitter. Criteria: Invitae Variant Classification Sherloc (09022015). Collection method: clinical testing. Allele origin: germline.
Comment: This sequence change replaces phenylalanine, which is neutral and non-polar, with leucine, which is neutral and non-polar, at codon 404 of the EGFR protein (p.Phe404Leu). This variant is not present in population databases (gnomAD no frequency). This variant has not been reported in the literature in individuals affected with EGFR-related conditions. Invitae Evidence Modeling of protein sequence and biophysical properties (such as structural, functional, and spatial information, amino acid conservation, physicochemical variation, residue mobility, and thermodynamic stability) indicates that this missense variant is not expected to disrupt EGFR protein function with a negative predictive value of 80%. In summary, the available evidence is currently insufficient to determine the role of this variant in disease. Therefore, it has been classified as a Variant of Uncertain Significance.

NM_005228.5(EGFR):c.1212T>G (p.Phe404Leu)

Gene: EGFR (epidermal growth factor receptor; plus strand). Cytogenetic location: 7p11.2.
Variant type: single nucleotide variant.
Coding change: c.1212T>G on transcript NM_005228.5 (MANE Select); coding-DNA position 1212, T replaced by G.
Protein change: p.Phe404Leu; replaces phenylalanine 404 with leucine.
Molecular consequence: missense variant.
Genome position (GRCh38, 1-based): chr7:55,157,667, T>G. VCF-style: chr7-55157667-T-G. GRCh37 (hg19) VCF-style: chr7-55225360-T-G.
Other names: c.1077T>G, p.Phe359Leu (NM_001346897.2, NM_001346899.2); c.1212T>G, p.Phe404Leu (NM_001346898.2, NM_201282.2, NM_201284.2); c.1053T>G, p.Phe351Leu (NM_001346900.2); c.411T>G, p.Phe137Leu (NM_001346941.2); short protein forms F137L, F351L, F359L, F404L.
Identifiers: ClinVar variation 4744679 (VCV004744679.2).